The following is an entry in ClinVar:

NM_018124.4(RFWD3):c.2281G>T (p.Ala761Ser)

Gene: RFWD3 (ring finger and WD repeat domain 3; minus strand). Cytogenetic location: 16q23.1.
Variant type: single nucleotide variant.
Coding change: c.2281G>T on transcript NM_018124.4 (MANE Select); coding-DNA position 2281, G replaced by T.
Protein change: p.Ala761Ser; replaces alanine 761 with serine.
Molecular consequence: missense variant.
Genome position (GRCh38, 1-based): chr16:74,623,972, C>A on the plus strand (G>T on the coding strand, the complement: RFWD3 is on the minus strand). VCF-style: chr16-74623972-C-A. GRCh37 (hg19) VCF-style: chr16-74657870-C-A.
Other names: c.2281G>T, p.Ala761Ser (NM_001370534.1, NM_001370535.1); c.2104G>T, p.Ala702Ser (NM_001370536.1); c.1447G>T, p.Ala483Ser (NM_001370537.1, NM_001370539.1, NM_001370540.1 and 2 more transcripts); short protein forms A483S, A702S, A761S.
Identifiers: ClinVar variation 3701702 (VCV003701702.2).
Genomic context (GRCh38, chr16:74,623,972, plus strand): 5'-GGTTTCGAGACCACAGTCACTCCCACTTATAGATGTGGACCATCTTCTCTGTTAAGGTAG[C>A]CAAGTAGCTGTTACGGTTCACCTCAAATGGGCAGATGTCCAACACAGGCTGATCGGTCTG-3'
Protein context (NP_060594.3, residues 751-771): PFEVNRNSYL[Ala761Ser]TLTEKMVHIY

ClinVar aggregate classification (germline): Uncertain significance (1 of 4 stars; one submission).

gnomAD v4.1: 4 of 1,614,106 alleles (0.00025%); highest among the groups gnomAD compares: Non-Finnish European, 0.00034%; no homozygotes.

Submission:

Labcorp Genetics (formerly Invitae), Labcorp
Classification: Uncertain significance. Last evaluated: 2024-02-20. Review status: criteria provided, single submitter. Criteria: Invitae Variant Classification Sherloc (09022015). Collection method: clinical testing. Allele origin: germline.
Comment: This sequence change replaces alanine, which is neutral and non-polar, with serine, which is neutral and polar, at codon 761 of the RFWD3 protein (p.Ala761Ser). This variant is present in population databases (rs748988162, gnomAD 0.0009%). This variant has not been reported in the literature in individuals affected with RFWD3-related conditions. An algorithm developed to predict the effect of missense changes on protein structure and function (PolyPhen-2) suggests that this variant is likely to be disruptive. Algorithms developed to predict the effect of sequence changes on RNA splicing suggest that this variant may create or strengthen a splice site. In summary, the available evidence is currently insufficient to determine the role of this variant in disease. Therefore, it has been classified as a Variant of Uncertain Significance.